The following is an entry in ClinVar:

NM_000548.5(TSC2):c.775-4G>A

Gene: TSC2 (TSC complex subunit 2; plus strand). Cytogenetic location: 16p13.3.
Variant type: single nucleotide variant.
Coding change: c.775-4G>A on transcript NM_000548.5 (MANE Select); 4 bases into the intron before coding-DNA position 775, G replaced by A.
Molecular consequence: intron variant.
Genome position (GRCh38, 1-based): chr16:2,057,101, G>A. VCF-style: chr16-2057101-G-A. GRCh37 (hg19) VCF-style: chr16-2107102-G-A.
Other names: c.775-4G>A (NM_001114382.3, NM_021055.3, NM_001370405.1 and 4 more transcripts); c.664-4G>A (NM_001318827.2); c.175-4G>A (NM_001318831.2); c.628-4G>A (NM_001318829.2); c.808-4G>A (NM_001318832.2).
Identifiers: ClinVar variation 184603 (VCV000184603.53), dbSNP rs754957491, ClinGen allele CA022971.

ClinVar aggregate classification (germline): Benign/Likely benign. Review status: criteria provided, multiple submitters, no conflicts (2 of 4 stars). 11 submissions from 11 submitters: Benign (4); Likely benign (7). Last evaluated 2026-07-30.

Conditions:
Lymphangiomyomatosis (LAM). Also called: Lymphangioleiomyomatosis, somatic; Lymphangioleiomyomatosis. Identifiers: Orphanet 538, MedGen C0751674, MONDO:0011705, OMIM 606690.
Tuberous sclerosis 2 (TSC2). Identifiers: Orphanet 805, MedGen C1860707, MONDO:0013199, OMIM 613254.
Isolated focal cortical dysplasia type II (FCORD2). Also called: CORTICAL DYSPLASIA OF TAYLOR; Focal cortical dysplasia type II. Identifiers: Orphanet 268994, MedGen C1846385, MONDO:0011818, OMIM 607341, HP:0032051.
TSC2-related disorder. Also called: TSC2-Related Disorders; TSC2-related condition.
Hereditary cancer-predisposing syndrome. Also called: Tumor predisposition; Neoplastic Syndromes, Hereditary; Hereditary Cancer Syndrome; Hereditary neoplastic syndrome. Identifiers: Orphanet 140162, MedGen C0027672, MeSH D009386, MONDO:0015356.
Tuberous sclerosis syndrome (TSC). Also called: Tuberous Sclerosis Complex; Tuberous sclerosis. Identifiers: Orphanet 805, MedGen C0041341, MONDO:0001734.

Allele frequency attached by ClinVar (database versions not stated): ExAC below 0.00001; gnomAD exomes 0.00002 and 0.00004; gnomAD 0.00007 and 0.00008; TOPMed 0.00011.
gnomAD v4.1: 43 of 1,551,148 alleles (0.0028%); highest among the groups gnomAD compares: Admixed American, 0.027%; no homozygotes.

Submissions (11):

PreventionGenetics, part of Exact Sciences
Classification: Likely benign for TSC2-related condition. Last evaluated: 2026-07-30. Review status: criteria provided, single submitter. Criteria: ACMG Guidelines, 2015. Collection method: clinical testing. Allele origin: germline.
Comment: This variant is classified as likely benign based on ACMG/AMP sequence variant interpretation guidelines (Richards et al. 2015 PMID: 25741868, with internal and published modifications).

Labcorp Genetics (formerly Invitae), Labcorp
Classification: Benign for Tuberous sclerosis 2. Last evaluated: 2026-01-05. Review status: criteria provided, single submitter. Criteria: Invitae Variant Classification Sherloc (09022015). Collection method: clinical testing. Allele origin: germline.

Myriad Genetics, Inc.
Classification: Benign for Tuberous sclerosis 2. Last evaluated: 2025-01-16. Review status: criteria provided, single submitter. Criteria: Myriad Autosomal Dominant, Autosomal Recessive and X-Linked Classification Criteria (2023). Collection method: clinical testing. Allele origin: unknown.
Comment: This variant is considered benign. This variant is intronic and is not expected to impact mRNA splicing. Homozygosity has been confirmed in one or more individuals. As homozygosity for pathogenic variants in this gene is generally assumed to result in embryonic lethality, this variant is unlikely to be pathogenic.

Blueprint Genetics
Classification: Likely benign. Last evaluated: 2024-10-22. Review status: criteria provided, single submitter. Criteria: ACMG Guidelines, 2015. Collection method: clinical testing. Allele origin: germline.

CeGaT Center for Human Genetics Tuebingen
Classification: Likely benign. Last evaluated: 2022-12-01. Review status: criteria provided, single submitter. Criteria: CeGaT Center For Human Genetics Tuebingen Variant Classification Criteria Version 2. Collection method: clinical testing. Allele origin: germline. Affected: yes. Observed: 1 variant allele.
Comment: TSC2: BP4

Color Diagnostics, LLC DBA Color Health
Classification: Benign for Tuberous sclerosis syndrome. Last evaluated: 2022-09-29. Review status: criteria provided, single submitter. Criteria: ACMG Guidelines, 2015. Collection method: clinical testing. Allele origin: germline.

Fulgent Genetics
Classification: Likely benign for Lymphangiomyomatosis; Isolated focal cortical dysplasia type II; Tuberous sclerosis 2. Last evaluated: 2022-02-02. Review status: criteria provided, single submitter. Criteria: ACMG Guidelines, 2015. Collection method: clinical testing. Allele origin: unknown.

Sema4
Classification: Likely benign for Hereditary cancer-predisposing syndrome. Last evaluated: 2022-01-25. Review status: criteria provided, single submitter. Criteria: Sema4 Curation Guidelines. Collection method: curation. Allele origin: germline.

Genome-Nilou Lab
Classification: Benign for Tuberous sclerosis 2. Last evaluated: 2021-11-07. Review status: criteria provided, single submitter. Criteria: ACMG Guidelines, 2015. Collection method: clinical testing. Allele origin: germline. Affected: no.

GeneDx
Classification: Likely benign. Last evaluated: 2021-09-04. Review status: criteria provided, single submitter. Criteria: GeneDx Variant Classification Process June 2021. Collection method: clinical testing. Allele origin: germline. Affected: yes.

Ambry Genetics
Classification: Likely benign for Hereditary cancer-predisposing syndrome. Last evaluated: 2021-03-10. Review status: criteria provided, single submitter. Criteria: Ambry Variant Classification Scheme 2023. Collection method: clinical testing. Allele origin: germline.